The following is an entry in ClinVar:

ClinVar aggregate classification (germline): Uncertain significance (1 of 4 stars; one submission).

Allele frequency attached by ClinVar (database versions not stated): gnomAD exomes below 0.00001.

Submissions (3):

Labcorp Genetics (formerly Invitae), Labcorp
Classification: Uncertain significance. Last evaluated: 2024-10-28. Review status: criteria provided, single submitter. Criteria: Invitae Variant Classification Sherloc (09022015). Collection method: clinical testing. Allele origin: germline.
Comment: This sequence change affects a donor splice site in intron 3 of the POMP gene. It is expected to disrupt RNA splicing. Variants that disrupt the donor or acceptor splice site typically lead to a loss of protein function (PMID: 16199547), however the current clinical and genetic evidence is not sufficient to establish whether loss-of-function variants in POMP cause disease. This variant is not present in population databases (gnomAD no frequency). This variant has not been reported in the literature in individuals affected with POMP-related conditions. ClinVar contains an entry for this variant (Variation ID: 1425976). Algorithms developed to predict the effect of sequence changes on RNA splicing suggest that this variant may disrupt the consensus splice site. In summary, the available evidence is currently insufficient to determine the role of this variant in disease. Therefore, it has been classified as a Variant of Uncertain Significance.

Dr. Peter K. Rogan Lab, Western University
No classification provided (evidence only). Condition: Clear cell carcinoma of kidney. Review status: no classification provided. Collection method: in vitro. Allele origin: not applicable. Functional consequence: skipped exon. Not counted in ClinVar's aggregate classification.

Dr. Peter K. Rogan Lab, Western University
No classification provided (evidence only). Condition: Ovarian serous cystadenocarcinoma. Review status: no classification provided. Collection method: in vitro. Allele origin: not applicable. Functional consequence: retained intron. Not counted in ClinVar's aggregate classification.

Literature cited by the submitters: PubMed 16199547 (cited by Labcorp Genetics (formerly Invitae), Labcorp).

NM_015932.6(POMP):c.162+1G>T

Gene: POMP (proteasome maturation protein; plus strand). Cytogenetic location: 13q12.3.
Variant type: single nucleotide variant.
Coding change: c.162+1G>T on transcript NM_015932.6 (MANE Select); the canonical splice donor site of the intron after coding-DNA position 162, G replaced by T.
Molecular consequence: splice donor variant.
Genome position (GRCh38, 1-based): chr13:28,664,570, G>T. VCF-style: chr13-28664570-G-T. GRCh37 (hg19) VCF-style: chr13-29238707-G-T.
Identifiers: ClinVar variation 1425976 (VCV001425976.7), dbSNP rs1884407034, ClinGen allele CA387802586.